The following is an entry in ClinVar:

NM_001292063.2(OTOG):c.1455A>G (p.Thr485=)

Gene: OTOG (otogelin; plus strand). Cytogenetic location: 11p15.1.
Variant type: single nucleotide variant.
Coding change: c.1455A>G on transcript NM_001292063.2 (MANE Select); coding-DNA position 1455, A replaced by G.
Protein change: p.Thr485=; no amino-acid change (threonine 485 retained).
Molecular consequence: synonymous variant.
Genome position (GRCh38, 1-based): chr11:17,561,094, A>G. VCF-style: chr11-17561094-A-G. GRCh37 (hg19) VCF-style: chr11-17582641-A-G.
Other names: c.1491A>G, p.Thr497= (NM_001277269.2).
Identifiers: ClinVar variation 517497 (VCV000517497.5), dbSNP rs1554968896, ClinGen allele CA473308960.
Genomic context (GRCh38, chr11:17,561,094, plus strand): 5'-GCATCTAGCTCAGGCCTGGAGGGGTGACCTCTTGCCTCCTTGGTCTCTGTGTTTTAGCAC[A>G]TGCACCTCAGGCAAGTGGGAGTGCAGCACAGCTGTCTGCCCAGGTATGTCTGCCCCCCAC-3'
Protein context (NP_001278992.1, residues 475-495): SVVKEDCNTC[Thr485=]CTSGKWECST

ClinVar aggregate classification (germline): Likely benign (1 of 4 stars; one submission).

gnomAD v4.1: 1 of 1,550,590 alleles (0.000064%); no homozygotes.

Submission:

Laboratory for Molecular Medicine, Mass General Brigham Personalized Medicine
Classification: Likely benign. Last evaluated: 2017-07-25. Review status: criteria provided, single submitter. Criteria: LMM Criteria. Collection method: clinical testing. Allele origin: germline. Observed: 1 variant allele.
Comment: p.Thr497Thr in exon 13 of OTOG: This variant is not expected to have clinical si gnificance because it does not alter an amino acid residue and is not located wi thin the splice consensus sequence.